The following is an entry in ClinVar:

NM_153006.3(NAGS):c.1532C>G (p.Ser511Cys)

Gene: NAGS (N-acetylglutamate synthase; plus strand). Cytogenetic location: 17q21.31.
Variant type: single nucleotide variant.
Coding change: c.1532C>G on transcript NM_153006.3 (MANE Select); coding-DNA position 1532, C replaced by G.
Protein change: p.Ser511Cys; replaces serine 511 with cysteine.
Molecular consequence: missense variant.
Genome position (GRCh38, 1-based): chr17:44,008,528, C>G. VCF-style: chr17-44008528-C-G. GRCh37 (hg19) VCF-style: chr17-42085896-C-G.
Other names: short protein forms S511C.
Identifiers: ClinVar variation 1934059 (VCV001934059.4), dbSNP rs2509285358, ClinGen allele CA399728891.
Genomic context (GRCh38, chr17:44,008,528, plus strand): 5'-GCAGCTTCTCCAACAAGCAGTGGATCTTCTTCTGGTTTGGCCTGGCTGATATCCGGGACT[C>G]CTATGAGTTGGTCAACCACGCCAAGGGACTGCCAGACTCCTTTCACAAGCCAGCTTCTGA-3'
Protein context (NP_694551.1, residues 501-521): FWFGLADIRD[Ser511Cys]YELVNHAKGL

ClinVar aggregate classification (germline): Uncertain significance. Review status: criteria provided, multiple submitters, no conflicts (2 of 4 stars). 3 submissions from 3 submitters: Uncertain significance (2). 1 of the submissions does not count toward it. Last evaluated 2022-08-01.

Conditions:
Inborn genetic diseases. Identifiers: MedGen C0950123, MeSH D030342.
Hyperammonemia, type III (NAGSD). Also called: Hyperammonemia due to N-acetylglutamate synthase deficiency. Identifiers: Orphanet 927, MedGen C0268543, MONDO:0009377, OMIM 237310.

Allele frequency attached by ClinVar (database versions not stated): gnomAD exomes below 0.00001.
gnomAD v4.1: 4 of 1,614,272 alleles (0.00025%); highest among the groups gnomAD compares: Non-Finnish European, 0.00034%; no homozygotes.

Submissions (3):

Ambry Genetics
Classification: Uncertain significance for Inborn genetic diseases. Last evaluated: 2022-08-01. Review status: criteria provided, single submitter. Criteria: Ambry Variant Classification Scheme 2023. Collection method: clinical testing. Allele origin: germline.

Labcorp Genetics (formerly Invitae), Labcorp
Classification: Uncertain significance for Hyperammonemia, type III. Last evaluated: 2022-01-27. Review status: criteria provided, single submitter. Criteria: Invitae Variant Classification Sherloc (09022015). Collection method: clinical testing. Allele origin: germline.
Comment: This sequence change replaces serine, which is neutral and polar, with cysteine, which is neutral and slightly polar, at codon 511 of the NAGS protein (p.Ser511Cys). This variant is not present in population databases (gnomAD no frequency). This variant has not been reported in the literature in individuals affected with NAGS-related conditions. Algorithms developed to predict the effect of missense changes on protein structure and function are either unavailable or do not agree on the potential impact of this missense change (SIFT: "Tolerated"; PolyPhen-2: "Probably Damaging"; Align-GVGD: "Class C15"). In summary, the available evidence is currently insufficient to determine the role of this variant in disease. Therefore, it has been classified as a Variant of Uncertain Significance.

Natera, Inc.
Classification: Uncertain significance for Hyperammonemia type III. Last evaluated: 2025-05-02. Review status: no assertion criteria provided. Collection method: clinical testing. Allele origin: germline. Not counted in ClinVar's aggregate classification.